The following is an entry in ClinVar:

ClinVar aggregate classification (germline): Conflicting classifications of pathogenicity. Review status: criteria provided, conflicting classifications (1 of 4 stars). 7 submissions from 7 submitters: Uncertain significance (4); Benign (1); Likely benign (2). Last evaluated 2026-05-04.

Conditions:
COL6A3-related disorder. Also called: COL6A3-related condition; COL6A3-related disorders.
Dystonia 27 (DYT27). Identifiers: Orphanet 464440, MedGen C4225336, MONDO:0014627, OMIM 616411.
Collagen 6-related myopathy. Identifiers: MedGen CN117976, MONDO:0100225.
Ullrich congenital muscular dystrophy 1A. Also called: Ullrich congenital muscular dystrophy 1; Intermediate COL6-RD. Identifiers: Orphanet 75840, MedGen C0410179, MONDO:0009681, OMIM 254090.
Bethlem myopathy 1A. Also called: MYOPATHY, BENIGN CONGENITAL, WITH CONTRACTURES; Bethlem myopathy 1; Bethlem Muscular Dystrophy. Identifiers: Orphanet 610, MedGen CN029274, MONDO:0024530, OMIM 158810.

Allele frequency attached by ClinVar (database versions not stated): ESP Exome Variant Server 0.00023; gnomAD exomes 0.00024 and 0.00019; gnomAD 0.00026; TOPMed 0.00027; 1000 Genomes Project 30x 0.00031; ExAC 0.00017; 1000 Genomes Project 0.00020.

Submissions (7):

PreventionGenetics, part of Exact Sciences
Classification: Uncertain significance for COL6A3-related condition. Last evaluated: 2026-05-04. Review status: criteria provided, single submitter. Criteria: ACMG Guidelines, 2015. Collection method: clinical testing. Allele origin: germline.
Comment: The COL6A3 c.3118G>A variant is predicted to result in the amino acid substitution p.Val1040Ile. This variant has been previously reported as a variant of uncertain significance in an individual with limb girdle muscular dystrophy type 1A (P60 in Table S7, Nallamilli et al 2018. PubMed ID: 30564623). This variant is reported in 0.028% of alleles in individuals of Latino descent in gnomAD. At this time, the clinical significance of this variant is uncertain due to the absence of conclusive functional and genetic evidence.

Labcorp Genetics (formerly Invitae), Labcorp
Classification: Likely benign for Bethlem myopathy 1A. Last evaluated: 2026-01-15. Review status: criteria provided, single submitter. Criteria: Invitae Variant Classification Sherloc (09022015). Collection method: clinical testing. Allele origin: germline.

Dasa
Classification: Uncertain significance for Collagen 6-related myopathy. Last evaluated: 2025-09-15. Review status: criteria provided, single submitter. Criteria: DASA Assertion Criteria. Collection method: clinical testing. Allele origin: germline.
Comment: NM_004369.4(COL6A3):c.3118G>A (p.Val1040Ile) is a missense variant that results in the substitution of valine with isoleucine. This variant is rare in population databases. The currently available literature and clinical evidence are not sufficient to establish a definitive association between this variant and the reported condition. Therefore, this variant is classified as a variant of uncertain significance.

Revvity Omics, Revvity
Classification: Uncertain significance. Last evaluated: 2022-10-19. Review status: criteria provided, single submitter. Criteria: ACMG Guidelines, 2015. Collection method: clinical testing. Allele origin: germline.

GeneDx
Classification: Likely benign. Last evaluated: 2020-04-21. Review status: criteria provided, single submitter. Criteria: GeneDx Variant Classification Process June 2021. Collection method: clinical testing. Allele origin: germline. Affected: yes.
Comment: This variant is associated with the following publications: (PMID: 30564623)

Eurofins Ntd Llc (ga)
Classification: Uncertain significance. Last evaluated: 2018-08-14. Review status: criteria provided, single submitter. Criteria: EGL ClinVar v180209 classification definitions. Collection method: clinical testing. Allele origin: germline. Observed: 5 variant alleles, 5 heterozygotes.

Illumina Laboratory Services, Illumina
Classification: Benign for Collagen VI-related myopathy. Last evaluated: 2018-01-12. Review status: criteria provided, single submitter. Criteria: ICSL Variant Classification Criteria 13 December 2019. Collection method: clinical testing. Allele origin: germline.
Comment: This variant was observed in the ICSL laboratory as part of a predisposition screen in an ostensibly healthy population. It had not been previously curated by ICSL or reported in the Human Gene Mutation Database (HGMD: prior to June 1st, 2018), and was therefore a candidate for classification through an automated scoring system. Utilizing variant allele frequency, disease prevalence and penetrance estimates, and inheritance mode, an automated score was calculated to assess if this variant is too frequent to cause the disease. Based on the score and internal cut-off values, a variant classified as benign is not then subjected to further curation. The score for this variant resulted in a classification of benign for this disease.

NM_004369.4(COL6A3):c.3118G>A (p.Val1040Ile)

Gene: COL6A3 (collagen type VI alpha 3 chain; minus strand). Cytogenetic location: 2q37.3.
Variant type: single nucleotide variant.
Coding change: c.3118G>A on transcript NM_004369.4 (MANE Select); coding-DNA position 3118, G replaced by A.
Protein change: p.Val1040Ile; replaces valine 1040 with isoleucine.
Molecular consequence: missense variant.
Genome position (GRCh38, 1-based): chr2:237,374,973, C>T on the plus strand (G>A on the coding strand, the complement: COL6A3 is on the minus strand). VCF-style: chr2-237374973-C-T. GRCh37 (hg19) VCF-style: chr2-238283616-C-T.
Other names: c.1897G>A, p.Val633Ile (NM_057164.5); c.2500G>A, p.Val834Ile (NM_057165.5, NM_057167.4); c.1297G>A, p.Val433Ile (NM_057166.5); short protein forms V1040I, V433I, V633I, V834I.
Identifiers: ClinVar variation 285594 (VCV000285594.64), dbSNP rs78427077, ClinGen allele CA2189239.